The following is an entry in ClinVar:

ClinVar aggregate classification (germline): Conflicting classifications of pathogenicity. Review status: criteria provided, conflicting classifications (1 of 4 stars). 4 submissions from 4 submitters: Likely pathogenic (1); Uncertain significance (2). 1 of the submissions does not count toward it. Last evaluated 2024-04-15.

Conditions:
SMARCAL1-related disorder. Also called: SMARCAL1-related condition.
Schimke immuno-osseous dysplasia (SIOD). Also called: Schimke Immunoosseous Dysplasia. Identifiers: Orphanet 1830, MedGen C0877024, MONDO:0009458, OMIM 242900.

Allele frequency attached by ClinVar (database versions not stated): gnomAD exomes below 0.00001 and 0.00001; TOPMed below 0.00001; gnomAD 0.00001.
gnomAD v4.1: 21 of 1,586,438 alleles (0.0013%); highest among the groups gnomAD compares: Non-Finnish European, 0.0016%; no homozygotes.

Submissions (4):

Fulgent Genetics
Classification: Uncertain significance for Schimke immuno-osseous dysplasia. Last evaluated: 2024-04-15. Review status: criteria provided, single submitter. Criteria: ACMG Guidelines, 2015. Collection method: clinical testing. Allele origin: germline.

GeneDx
Classification: Likely pathogenic. Last evaluated: 2024-02-01. Review status: criteria provided, single submitter. Criteria: GeneDx Variant Classification Process June 2021. Collection method: clinical testing. Allele origin: germline. Affected: yes.
Comment: In silico analysis supports that this missense variant has a deleterious effect on protein structure/function; Not observed at significant frequency in large population cohorts (gnomAD); This variant is associated with the following publications: (PMID: 28204945, 31275356, 29282041)

Labcorp Genetics (formerly Invitae), Labcorp
Classification: Uncertain significance for Schimke immuno-osseous dysplasia. Last evaluated: 2022-08-20. Review status: criteria provided, single submitter. Criteria: Invitae Variant Classification Sherloc (09022015). Collection method: clinical testing. Allele origin: germline.
Comment: This sequence change replaces arginine, which is basic and polar, with histidine, which is basic and polar, at codon 817 of the SMARCAL1 protein (p.Arg817His). The frequency data for this variant in the population databases is considered unreliable, as metrics indicate poor data quality at this position in the gnomAD database. This missense change has been observed in individual(s) with schimke immune-osseous dysplasia and/or SMARCAL1-related conditions (PMID: 28204945, 29282041). In at least one individual the data is consistent with being in trans (on the opposite chromosome) from a pathogenic variant. ClinVar contains an entry for this variant (Variation ID: 1033661). Algorithms developed to predict the effect of missense changes on protein structure and function are either unavailable or do not agree on the potential impact of this missense change (SIFT: "Deleterious"; PolyPhen-2: "Probably Damaging"; Align-GVGD: "Class C0"). In summary, the available evidence is currently insufficient to determine the role of this variant in disease. Therefore, it has been classified as a Variant of Uncertain Significance.

PreventionGenetics, part of Exact Sciences
Classification: Uncertain significance for SMARCAL1-related condition. Last evaluated: 2024-09-23. Review status: no assertion criteria provided. Collection method: clinical testing. Allele origin: germline. Not counted in ClinVar's aggregate classification.
Comment: The SMARCAL1 c.2450G>A variant is predicted to result in the amino acid substitution p.Arg817His. This variant has been reported in the compound heterozygous state with a second SMARCAL1 variant in an individual with Schimke immuno-osseous dysplasia (SIOD) (Liu et al. 2017. PubMed ID: 29282041). It has also been reported in the compound heterozygous state in an individual from a cohort of patients with steroid-resistant nephrotic syndrome (SRNS) (Wang et al. 2017. PubMed ID: 28204945). This variant is reported in 0.0039% of alleles in individuals of South Asian descent in gnomAD. Of note, a different missense substitution at the same amino acid residue (p.Arg817Cys) has also been reported in the compound heterozygous state in individuals with SIOD or SMARCAL1-related phenotypes (Morimoto et al. 2012. PubMed ID: 22998683; Table S3, Nagano et al. 2022. PubMed ID: 36176665). Although we suspect that this variant may be pathogenic, at this time, the clinical significance of this variant is uncertain due to the absence of conclusive functional and genetic evidence.

Literature cited by the submitters: PubMed 28204945 (cited by Labcorp Genetics (formerly Invitae), Labcorp); PubMed 29282041 (cited by Labcorp Genetics (formerly Invitae), Labcorp).

NM_014140.4(SMARCAL1):c.2450G>A (p.Arg817His)

Gene: SMARCAL1 (SNF2 related chromatin remodeling annealing helicase 1; plus strand). Cytogenetic location: 2q35.
Variant type: single nucleotide variant.
Coding change: c.2450G>A on transcript NM_014140.4 (MANE Select); coding-DNA position 2450, G replaced by A.
Protein change: p.Arg817His; replaces arginine 817 with histidine.
Molecular consequence: missense variant.
Genome position (GRCh38, 1-based): chr2:216,477,131, G>A. VCF-style: chr2-216477131-G-A. GRCh37 (hg19) VCF-style: chr2-217341854-G-A.
Other names: c.2450G>A, p.Arg817His (NM_001127207.2); short protein forms R817H.
Identifiers: ClinVar variation 1033661 (VCV001033661.7), dbSNP rs1172616375, ClinGen allele CA350504712.